The following is an entry in ClinVar:

NM_000642.3(AGL):c.82+85C>T

Gene: AGL (amylo-alpha-1,6-glucosidase and 4-alpha-glucanotransferase; plus strand). Cytogenetic location: 1p21.2.
Variant type: single nucleotide variant.
Coding change: c.82+85C>T on transcript NM_000642.3 (MANE Select); 85 bases into the intron after coding-DNA position 82, C replaced by T.
Molecular consequence: intron variant.
Genome position (GRCh38, 1-based): chr1:99,851,209, C>T. VCF-style: chr1-99851209-C-T. GRCh37 (hg19) VCF-style: chr1-100316765-C-T.
Other names: c.82+85C>T (NM_000643.3, NM_000644.3, NM_001425326.1 and 6 more transcripts); c.-110+85C>T (NM_000646.3).
Identifiers: ClinVar variation 676091 (VCV000676091.2), dbSNP rs663848, ClinGen allele CA10940855.

ClinVar aggregate classification (germline): Benign. Review status: criteria provided, multiple submitters, no conflicts (2 of 4 stars). 2 submissions from 2 submitters: Benign (2). Last evaluated 2018-06-14.

Allele frequency attached by ClinVar (database versions not stated): gnomAD exomes 0.71169; gnomAD 0.75905 and 0.76243; 1000 Genomes Project 0.76258; TOPMed 0.76595; 1000 Genomes Project 30x 0.76640.
gnomAD v4.1: 882,379 of 1,229,216 alleles (72%); highest among the groups gnomAD compares: African/African-American, 92%; 319,054 homozygotes.

Submissions (2):

GeneDx
Classification: Benign. Last evaluated: 2018-06-14. Review status: criteria provided, single submitter. Criteria: GeneDx Variant Classification (06012015). Collection method: clinical testing. Allele origin: germline. Affected: yes.
Comment: This variant is considered likely benign or benign based on one or more of the following criteria: it is a conservative change, it occurs at a poorly conserved position in the protein, it is predicted to be benign by multiple in silico algorithms, and/or has population frequency not consistent with disease.

Breakthrough Genomics
Classification: Benign. Review status: criteria provided, single submitter. Criteria: ACMG Guidelines, 2015. Collection method: not provided. Allele origin: germline. Inheritance: Autosomal recessive inheritance. Affected: yes.